The following is an entry in ClinVar:

NM_001110556.2(FLNA):c.622+6G>C

Gene: FLNA (filamin A; minus strand). Cytogenetic location: Xq28.
Variant type: single nucleotide variant.
Coding change: c.622+6G>C on transcript NM_001110556.2 (MANE Select); 6 bases into the intron after coding-DNA position 622, G replaced by C.
Molecular consequence: intron variant.
Genome position (GRCh38, 1-based): chrX:154,367,836, C>G on the plus strand (G>C on the coding strand, the complement: FLNA is on the minus strand). VCF-style: chrX-154367836-C-G. GRCh37 (hg19) VCF-style: chrX-153596204-C-G.
Other names: c.622+6G>C (NM_001456.4).
Identifiers: ClinVar variation 2953485 (VCV002953485.3), dbSNP rs2067774543, ClinGen allele CA2740090210.

ClinVar aggregate classification (germline): Uncertain significance (1 of 4 stars; one submission).

Conditions:
Heterotopia, periventricular, X-linked dominant (PVNH1). Also called: PERIVENTRICULAR NODULAR HETEROTOPIA 1; X-linked periventricular heterotopia; PERIVENTRICULAR NODULAR HETEROTOPIA 4; HETEROTOPIA, PERIVENTRICULAR, 1. Identifiers: Orphanet 2149, Orphanet 82004, MedGen C1848213, MONDO:0010233, OMIM 300049.
Melnick-Needles syndrome (MNS). Also called: Melnick-Needles Syndrome (FLNA-MNS); MELNICK-NEEDLES OSTEODYSPLASTY; OSTEODYSPLASTY OF MELNICK AND NEEDLES. Identifiers: Orphanet 2484, MedGen C0025237, MONDO:0010650, OMIM 309350.
Frontometaphyseal dysplasia (FMD1). Identifiers: Orphanet 1826, MedGen C0265293, MONDO:0015942.
Oto-palato-digital syndrome, type II (OPD2). Also called: Otopalatodigital Syndrome Type 2 (FLNA-OPD2); FACIOPALATOOSSEOUS SYNDROME; OPD II SYNDROME; Otopalatodigital Syndrome, Type II. Identifiers: Orphanet 669, Orphanet 90652, MedGen C1844696, MONDO:0010571, OMIM 304120.

Submission:

Labcorp Genetics (formerly Invitae), Labcorp
Classification: Uncertain significance for Oto-palato-digital syndrome, type II; Heterotopia, periventricular, X-linked dominant; Frontometaphyseal dysplasia; Melnick-Needles syndrome. Last evaluated: 2023-11-02. Review status: criteria provided, single submitter. Criteria: Invitae Variant Classification Sherloc (09022015). Collection method: clinical testing. Allele origin: germline.
Comment: This sequence change falls in intron 3 of the FLNA gene. It does not directly change the encoded amino acid sequence of the FLNA protein. It affects a nucleotide within the consensus splice site. This variant is not present in population databases (gnomAD no frequency). This variant has not been reported in the literature in individuals affected with FLNA-related conditions. Variants that disrupt the consensus splice site are a relatively common cause of aberrant splicing (PMID: 17576681, 9536098). Algorithms developed to predict the effect of sequence changes on RNA splicing suggest that this variant is not likely to affect RNA splicing. In summary, the available evidence is currently insufficient to determine the role of this variant in disease. Therefore, it has been classified as a Variant of Uncertain Significance.

Literature cited by the submitters: PubMed 17576681; PubMed 9536098.